The following is an entry in ClinVar:

ClinVar aggregate classification (germline): Uncertain significance. Review status: criteria provided, multiple submitters, no conflicts (2 of 4 stars). 2 submissions from 2 submitters: Uncertain significance (2). Last evaluated 2026-06-16.

Allele frequency attached by ClinVar (database versions not stated): ESP Exome Variant Server 0.00008; 1000 Genomes Project 0.00040; ExAC 0.00013; 1000 Genomes Project 30x 0.00031.

Submissions (2):

Women's Health and Genetics/Laboratory Corporation of America, LabCorp
Classification: Uncertain significance. Last evaluated: 2026-06-16. Review status: criteria provided, single submitter. Criteria: LabCorp Variant Classification Summary - May 2015. Collection method: clinical testing. Allele origin: germline.
Comment: Variant summary: PDE10A c.2050G>A (p.Val684Ile) results in a conservative amino acid change in the encoded protein sequence. Algorithms developed to predict the effect of missense changes on protein structure and function are either unavailable or do not agree on the potential impact of this missense change. The variant allele was found at a frequency of 0.00017 in 251298 control chromosomes. This frequency is not significantly higher than estimated for disease-causing variants in PDE10A, allowing no conclusion about variant significance. To our knowledge, no occurrence of c.2050G>A in individuals affected with PDE10A-related conditions and no experimental evidence demonstrating its impact on protein function have been reported. ClinVar contains an entry for this variant (Variation ID: 2070236). Based on the evidence outlined above, the variant was classified as uncertain significance.

Labcorp Genetics (formerly Invitae), Labcorp
Classification: Uncertain significance. Last evaluated: 2024-05-01. Review status: criteria provided, single submitter. Criteria: Invitae Variant Classification Sherloc (09022015). Collection method: clinical testing. Allele origin: germline.
Comment: This sequence change replaces valine, which is neutral and non-polar, with isoleucine, which is neutral and non-polar, at codon 684 of the PDE10A protein (p.Val684Ile). This variant is present in population databases (rs117826255, gnomAD 0.1%). This variant has not been reported in the literature in individuals affected with PDE10A-related conditions. ClinVar contains an entry for this variant (Variation ID: 2070236). Advanced modeling of protein sequence and biophysical properties (such as structural, functional, and spatial information, amino acid conservation, physicochemical variation, residue mobility, and thermodynamic stability) performed at Invitae indicates that this missense variant is not expected to disrupt PDE10A protein function with a negative predictive value of 80%. In summary, the available evidence is currently insufficient to determine the role of this variant in disease. Therefore, it has been classified as a Variant of Uncertain Significance.

NM_001385079.1(PDE10A):c.2848G>A (p.Val950Ile)

Gene: PDE10A (phosphodiesterase 10A; minus strand). Cytogenetic location: 6q27.
Variant type: single nucleotide variant.
Coding change: c.2848G>A on transcript NM_001385079.1 (MANE Select); coding-DNA position 2848, G replaced by A.
Protein change: p.Val950Ile; replaces valine 950 with isoleucine.
Molecular consequence: missense variant.
Genome position (GRCh38, 1-based): chr6:165,343,438, C>T on the plus strand (G>A on the coding strand, the complement: PDE10A is on the minus strand). VCF-style: chr6-165343438-C-T. GRCh37 (hg19) VCF-style: chr6-165756927-C-T.
Other names: c.2050G>A, p.Val684Ile (NM_001130690.3); c.2020G>A, p.Val674Ile (NM_006661.4); short protein forms V950I, V684I, V674I.
Identifiers: ClinVar variation 2070236 (VCV002070236.4), dbSNP rs117826255, ClinGen allele CA4092009.